The following is an entry in ClinVar:

NM_004656.4(BAP1):c.781C>T (p.Gln261Ter)

Gene: BAP1 (BRCA1 associated deubiquitinase 1; minus strand). Cytogenetic location: 3p21.1.
Variant type: single nucleotide variant.
Coding change: c.781C>T on transcript NM_004656.4 (MANE Select); coding-DNA position 781, C replaced by T.
Protein change: p.Gln261Ter; replaces glutamine 261 with a stop codon.
Molecular consequence: nonsense.
Genome position (GRCh38, 1-based): chr3:52,406,255, G>A on the plus strand (C>T on the coding strand, the complement: BAP1 is on the minus strand). VCF-style: chr3-52406255-G-A. GRCh37 (hg19) VCF-style: chr3-52440271-G-A.
Other names: c.727C>T, p.Gln243Ter (NM_001410772.1); short protein forms Q243*, Q261*.
Identifiers: ClinVar variation 3704376 (VCV003704376.2).

ClinVar aggregate classification (germline): Pathogenic (1 of 4 stars; one submission).

Conditions:
BAP1-related tumor predisposition syndrome (TPDS1). Also called: TUMOR PREDISPOSITION SYNDROME 1; BAP1 tumor predisposition syndrome; Tumor susceptibility linked to germline BAP1 mutations; COMMON Syndrome. Identifiers: Orphanet 289539, MedGen C3280492, MONDO:0013692, OMIM 614327.

Submission:

Labcorp Genetics (formerly Invitae), Labcorp
Classification: Pathogenic for BAP1-related tumor predisposition syndrome. Last evaluated: 2024-11-11. Review status: criteria provided, single submitter. Criteria: Invitae Variant Classification Sherloc (09022015). Collection method: clinical testing. Allele origin: germline.
Comment: This sequence change creates a premature translational stop signal (p.Gln261*) in the BAP1 gene. It is expected to result in an absent or disrupted protein product. Loss-of-function variants in BAP1 are known to be pathogenic (PMID: 21874000, 23684012). This variant is not present in population databases (gnomAD no frequency). This premature translational stop signal has been observed in individual(s) with liver cancer (PMID: 29625052). For these reasons, this variant has been classified as Pathogenic.

Literature cited by the submitters: PubMed 21874000; PubMed 23684012; PubMed 29625052.